The following is an entry in ClinVar:

ClinVar aggregate classification (germline): Uncertain significance (1 of 4 stars; one submission).

Conditions:
ZNF423-related disorder. Also called: ZNF423-related condition.

gnomAD v4.1: 1 of 1,614,010 alleles (0.000062%); no homozygotes.

Submission:

PreventionGenetics, part of Exact Sciences
Classification: Uncertain significance for ZNF423-related condition. Last evaluated: 2026-05-28. Review status: criteria provided, single submitter. Criteria: ACMG Guidelines, 2015. Collection method: clinical testing. Allele origin: germline.
Comment: The ZNF423 c.1657G>T variant is predicted to result in the amino acid substitution p.Val553Leu. To our knowledge, this variant has not been reported in the literature. This variant is reported in 0.0099% of alleles in individuals of Ashkenazi Jewish descent in gnomAD. At this time, the clinical significance of this variant is uncertain due to the absence of conclusive functional and genetic evidence.

NM_001379286.1(ZNF423):c.1681G>T (p.Val561Leu)

Gene: ZNF423 (zinc finger protein 423; minus strand). Cytogenetic location: 16q12.1.
Variant type: single nucleotide variant.
Coding change: c.1681G>T on transcript NM_001379286.1 (MANE Select); coding-DNA position 1681, G replaced by T.
Protein change: p.Val561Leu; replaces valine 561 with leucine.
Molecular consequence: missense variant.
Genome position (GRCh38, 1-based): chr16:49,637,495, C>A on the plus strand (G>T on the coding strand, the complement: ZNF423 is on the minus strand). VCF-style: chr16-49637495-C-A. GRCh37 (hg19) VCF-style: chr16-49671406-C-A.
Other names: c.1477G>T, p.Val493Leu (NM_001271620.2); c.1306G>T, p.Val436Leu (NM_001330533.2); c.1657G>T, p.Val553Leu (NM_015069.5); short protein forms V561L, V493L, V553L, V436L.
Identifiers: ClinVar variation 4992230 (VCV004992230.1).